The following is an entry in ClinVar:

ClinVar aggregate classification (germline): Pathogenic (1 of 4 stars; one submission).

Conditions:
X-linked lymphoproliferative disease due to XIAP deficiency. Also called: XIAP DEFICIENCY; XIAP-Related Lymphoproliferative Disease, X-Linked. Identifiers: Orphanet 2442, Orphanet 538934, MedGen C1845076, MONDO:0010385, OMIM 300635.

Submission:

Labcorp Genetics (formerly Invitae), Labcorp
Classification: Pathogenic for X-linked lymphoproliferative disease due to XIAP deficiency. Last evaluated: 2019-12-08. Review status: criteria provided, single submitter. Criteria: Invitae Variant Classification Sherloc (09022015). Collection method: clinical testing. Allele origin: germline.
Comment: Loss-of-function variants in XIAP are known to be pathogenic (PMID: 17080092, 21119115, 25666262). For these reasons, this variant has been classified as Pathogenic. This variant has not been reported in the literature in individuals with XIAP-related conditions. This variant is not present in population databases (ExAC no frequency). This sequence change creates a premature translational stop signal (p.Trp73*) in the XIAP gene. It is expected to result in an absent or disrupted protein product.

Literature cited by the submitters: PubMed 17080092; PubMed 21119115; PubMed 25666262.

NM_001167.4(XIAP):c.214_217dup (p.Trp73Ter)

Gene: XIAP (X-linked inhibitor of apoptosis; plus strand). Cytogenetic location: Xq25.
Variant type: Microsatellite.
Coding change: c.214_217dup on transcript NM_001167.4 (MANE Select); coding-DNA positions 214 to 217, 4 bases duplicated (AGAT; older notation c.214_217dupAGAT).
Protein change: p.Trp73Ter; replaces tryptophan 73 with a stop codon.
Molecular consequence: nonsense.
Genome position (GRCh38, 1-based): chrX:123,885,876-123,885,879, AGAT duplicated; duplicating any 4 consecutive bases within chrX:123,885,871-123,885,879 gives the same sequence; the c. name uses the placement nearest the transcript's 3' end. VCF-style (leftmost placement, unchanged base first): chrX-123885870-G-GTAGA. GRCh37 (hg19) VCF-style: chrX-123019720-G-GTAGA.
Other names: c.214_217dup, p.Trp73Ter (NM_001204401.2, NM_001378590.1, NM_001378591.1 and 1 more transcripts); short protein forms W73*.
Identifiers: ClinVar variation 859737 (VCV000859737.7), dbSNP rs2053346219, ClinGen allele CA916081272.